The following is an entry in ClinVar:

NM_003072.5(SMARCA4):c.4209G>C (p.Glu1403Asp)

Gene: SMARCA4 (SWI/SNF related BAF chromatin remodeling complex subunit ATPase 4; plus strand). Cytogenetic location: 19p13.2.
Variant type: single nucleotide variant.
Coding change: c.4209G>C on transcript NM_003072.5 (MANE Select); coding-DNA position 4209, G replaced by C.
Protein change: p.Glu1403Asp; replaces glutamic acid 1403 with aspartic acid.
Molecular consequence: missense variant. On other transcripts: non-coding transcript variant (1).
Genome position (GRCh38, 1-based): chr19:11,041,345, G>C. VCF-style: chr19-11041345-G-C. GRCh37 (hg19) VCF-style: chr19-11152021-G-C.
Other names: c.4209G>C, p.Glu1403Asp (NM_001128844.3); c.4119G>C, p.Glu1373Asp (NM_001128845.2, NM_001128846.2); c.4110G>C, p.Glu1370Asp (NM_001128847.4, NM_001128848.2, NM_001374457.1); c.4305G>C, p.Glu1435Asp (NM_001128849.3); short protein forms E1403D, E1370D, E1373D, E1435D.
Identifiers: ClinVar variation 851813 (VCV000851813.11), dbSNP rs2075598271, ClinGen allele CA404072884.

ClinVar aggregate classification (germline): Uncertain significance. Review status: criteria provided, multiple submitters, no conflicts (2 of 4 stars). 3 submissions from 3 submitters: Uncertain significance (3). Last evaluated 2026-07-06.

Conditions:
Rhabdoid tumor predisposition syndrome 2 (RTPS2). Identifiers: Orphanet 231108, Orphanet 69077, MedGen C2750074, MONDO:0013224, OMIM 613325.
Hereditary cancer-predisposing syndrome. Also called: Tumor predisposition; Hereditary neoplastic syndrome; Neoplastic Syndromes, Hereditary; Hereditary Cancer Syndrome. Identifiers: Orphanet 140162, MedGen C0027672, MeSH D009386, MONDO:0015356.

Submissions (3):

Ambry Genetics
Classification: Uncertain significance for Hereditary cancer-predisposing syndrome. Last evaluated: 2026-07-06. Review status: criteria provided, single submitter. Criteria: Ambry Variant Classification Scheme 2023. Collection method: clinical testing. Allele origin: germline.
Comment: The p.E1435D variant (also known as c.4305G>C), located in coding exon 30 of the SMARCA4 gene, results from a G to C substitution at nucleotide position 4305. The glutamic acid at codon 1435 is replaced by aspartic acid, an amino acid with highly similar properties. This amino acid position is conserved. In addition, the in silico prediction for this alteration is inconclusive. Based on the available evidence, the clinical significance of this variant remains unclear.

GeneDx
Classification: Uncertain significance. Last evaluated: 2024-03-28. Review status: criteria provided, single submitter. Criteria: GeneDx Variant Classification Process June 2021. Collection method: clinical testing. Allele origin: germline. Affected: yes.
Comment: Not observed at significant frequency in large population cohorts (gnomAD); In silico analysis supports that this missense variant does not alter protein structure/function; Has not been previously published as pathogenic or benign to our knowledge

Labcorp Genetics (formerly Invitae), Labcorp
Classification: Uncertain significance for Rhabdoid tumor predisposition syndrome 2. Last evaluated: 2020-01-22. Review status: criteria provided, single submitter. Criteria: Invitae Variant Classification Sherloc (09022015). Collection method: clinical testing. Allele origin: germline.
Comment: Algorithms developed to predict the effect of missense changes on protein structure and function (SIFT, PolyPhen-2, Align-GVGD) all suggest that this variant is likely to be disruptive, but these predictions have not been confirmed by published functional studies and their clinical significance is uncertain. In summary, the available evidence is currently insufficient to determine the role of this variant in disease. Therefore, it has been classified as a Variant of Uncertain Significance. This variant has not been reported in the literature in individuals with SMARCA4-related conditions. This variant is not present in population databases (ExAC no frequency). This sequence change replaces glutamic acid with aspartic acid at codon 1435 of the SMARCA4 protein (p.Glu1435Asp). The glutamic acid residue is highly conserved and there is a small physicochemical difference between glutamic acid and aspartic acid.